The following is an entry in ClinVar:

NM_001365999.1(SZT2):c.6679C>T (p.Pro2227Ser)

Gene: SZT2 (SZT2 subunit of KICSTOR complex; plus strand). Cytogenetic location: 1p34.2.
Variant type: single nucleotide variant.
Coding change: c.6679C>T on transcript NM_001365999.1 (MANE Select); coding-DNA position 6679, C replaced by T.
Protein change: p.Pro2227Ser; replaces proline 2227 with serine.
Molecular consequence: missense variant.
Genome position (GRCh38, 1-based): chr1:43,438,980, C>T. VCF-style: chr1-43438980-C-T. GRCh37 (hg19) VCF-style: chr1-43904651-C-T.
Other names: c.6508C>T, p.Pro2170Ser (NM_015284.4); short protein forms P2170S, P2227S.
Identifiers: ClinVar variation 1925725 (VCV001925725.5), dbSNP rs1557585274, ClinGen allele CA340031665.

ClinVar aggregate classification (germline): Uncertain significance (1 of 4 stars; one submission).

Allele frequency attached by ClinVar (database versions not stated): gnomAD exomes below 0.00001.
gnomAD v4.1: 3 of 1,614,216 alleles (0.00019%); highest among the groups gnomAD compares: Non-Finnish European, 0.00017%; no homozygotes.

Submission:

Labcorp Genetics (formerly Invitae), Labcorp
Classification: Uncertain significance. Last evaluated: 2022-05-05. Review status: criteria provided, single submitter. Criteria: Invitae Variant Classification Sherloc (09022015). Collection method: clinical testing. Allele origin: germline.
Comment: In summary, the available evidence is currently insufficient to determine the role of this variant in disease. Therefore, it has been classified as a Variant of Uncertain Significance. Algorithms developed to predict the effect of missense changes on protein structure and function (SIFT, PolyPhen-2, Align-GVGD) all suggest that this variant is likely to be disruptive. This variant has not been reported in the literature in individuals affected with SZT2-related conditions. This variant is not present in population databases (gnomAD no frequency). This sequence change replaces proline, which is neutral and non-polar, with serine, which is neutral and polar, at codon 2170 of the SZT2 protein (p.Pro2170Ser).